The following is an entry in ClinVar:

NM_003872.3(NRP2):c.2425+9651C>A

Gene: NRP2 (neuropilin 2; plus strand). Cytogenetic location: 2q33.3.
Variant type: single nucleotide variant.
Coding change: c.2425+9651C>A on transcript NM_003872.3 (MANE Select); 9651 bases into the intron after coding-DNA position 2425, C replaced by A.
Molecular consequence: intron variant. On other transcripts: synonymous variant (2).
Genome position (GRCh38, 1-based): chr2:205,776,454, C>A. VCF-style: chr2-205776454-C-A. GRCh37 (hg19) VCF-style: chr2-206641178-C-A.
Other names: c.2649C>A, p.Thr883= (NM_018534.4); c.2634C>A, p.Thr878= (NM_201267.2); c.2440+9636C>A (NM_201266.2); c.2425+9651C>A (NM_201279.2).
Identifiers: ClinVar variation 3354495 (VCV003354495.1).

ClinVar aggregate classification (germline): Likely benign (0 of 4 stars; one submission).

Conditions:
NRP2-related disorder. Also called: NRP2-related condition.

gnomAD v4.1: 2 of 1,612,784 alleles (0.00012%); highest among the groups gnomAD compares: Admixed American, 0.0033%; no homozygotes.

Submission:

PreventionGenetics, part of Exact Sciences
Classification: Likely benign for NRP2-related condition. Last evaluated: 2022-06-08. Review status: no assertion criteria provided. Collection method: clinical testing. Allele origin: germline.
Comment: This variant is classified as likely benign based on ACMG/AMP sequence variant interpretation guidelines (Richards et al. 2015 PMID: 25741868, with internal and published modifications).